The following is an entry in ClinVar:

NM_032043.3(BRIP1):c.652T>C (p.Cys218Arg)

Gene: BRIP1 (BRCA1 interacting DNA helicase 1; minus strand). Cytogenetic location: 17q23.2.
Variant type: single nucleotide variant.
Coding change: c.652T>C on transcript NM_032043.3 (MANE Select); coding-DNA position 652, T replaced by C.
Protein change: p.Cys218Arg; replaces cysteine 218 with arginine.
Molecular consequence: missense variant.
Genome position (GRCh38, 1-based): chr17:61,808,733, A>G on the plus strand (T>C on the coding strand, the complement: BRIP1 is on the minus strand). VCF-style: chr17-61808733-A-G. GRCh37 (hg19) VCF-style: chr17-59886094-A-G.
Other names: short protein forms C218R.
Identifiers: ClinVar variation 3261813 (VCV003261813.1).

ClinVar aggregate classification (germline): Uncertain significance (1 of 4 stars; one submission).

Conditions:
Hereditary cancer-predisposing syndrome. Also called: Hereditary Cancer Syndrome; Tumor predisposition; Hereditary neoplastic syndrome; Neoplastic Syndromes, Hereditary. Identifiers: Orphanet 140162, MedGen C0027672, MeSH D009386, MONDO:0015356.

Submission:

Ambry Genetics
Classification: Uncertain significance for Hereditary cancer-predisposing syndrome. Last evaluated: 2024-05-04. Review status: criteria provided, single submitter. Criteria: Ambry Variant Classification Scheme 2023. Collection method: clinical testing. Allele origin: germline.
Comment: The p.C218R variant (also known as c.652T>C), located in coding exon 6 of the BRIP1 gene, results from a T to C substitution at nucleotide position 652. The cysteine at codon 218 is replaced by arginine, an amino acid with highly dissimilar properties. This amino acid position is conserved. In addition, this alteration is predicted to be tolerated by in silico analysis. Based on the available evidence, the clinical significance of this variant remains unclear.